The following is an entry in ClinVar:

ClinVar aggregate classification (germline): Likely benign (1 of 4 stars; one submission).

gnomAD v4.1: 2 of 1,614,118 alleles (0.00012%); highest among the groups gnomAD compares: Non-Finnish European, 0.00017%; no homozygotes.

Submission:

Women's Health and Genetics/Laboratory Corporation of America, LabCorp
Classification: Likely benign. Last evaluated: 2025-10-15. Review status: criteria provided, single submitter. Criteria: LabCorp Variant Classification Summary - May 2015. Collection method: clinical testing. Allele origin: germline.
Comment: Variant summary: GBA1 c.198C>T alters a conserved nucleotide resulting in a synonymous change. Consensus agreement among computation tools predict no significant impact on normal splicing. However, these predictions have yet to be confirmed by functional studies. The variant was absent in 251400 control chromosomes. The available data on variant occurrences in the general population are insufficient to allow any conclusion about variant significance. To our knowledge, no occurrence of c.198C>T in individuals affected with GBA1-related conditions and no experimental evidence demonstrating its impact on protein function have been reported. No submitters have cited clinical-significance assessments for this variant to ClinVar. Based on the evidence outlined above, the variant was classified as likely benign.

NM_000157.4(GBA1):c.198C>T (p.Asp66=)

Genes: GBA1 (glucosylceramidase beta 1; minus strand), LOC106627981 (GBA recombination region; plus strand). Cytogenetic location: 1q22.
Variant type: single nucleotide variant.
Coding change: c.198C>T on transcript NM_000157.4 (MANE Select); coding-DNA position 198, C replaced by T.
Protein change: p.Asp66=; no amino-acid change (aspartic acid 66 retained).
Molecular consequence: synonymous variant. On other transcripts: 5 prime UTR variant (1).
Genome position (GRCh38, 1-based): chr1:155,239,995, G>A on the plus strand (C>T on the coding strand, the complement: GBA1 is on the minus strand). VCF-style: chr1-155239995-G-A. GRCh37 (hg19) VCF-style: chr1-155209786-G-A.
Other names: c.198C>T, p.Asp66= (NM_001005741.3, NM_001005742.3, NM_001171812.2); c.-64C>T (NM_001171811.2).
Identifiers: ClinVar variation 4687262 (VCV004687262.1).